The following is an entry in ClinVar:

NM_000038.6(APC):c.377G>A (p.Gly126Glu)

Gene: APC (APC regulator of Wnt signaling pathway; plus strand). Cytogenetic location: 5q22.2.
Variant type: single nucleotide variant.
Coding change: c.377G>A on transcript NM_000038.6 (MANE Select); coding-DNA position 377, G replaced by A.
Protein change: p.Gly126Glu; replaces glycine 126 with glutamic acid.
Molecular consequence: missense variant. On other transcripts: 5 prime UTR variant (4), non-coding transcript variant (2).
Genome position (GRCh38, 1-based): chr5:112,767,345, G>A. VCF-style: chr5-112767345-G-A. GRCh37 (hg19) VCF-style: chr5-112103042-G-A.
Other names: c.377G>A, p.Gly126Glu (NM_001127510.3, NM_001354895.2, NM_001354896.2 and 16 more transcripts); c.407G>A, p.Gly136Glu (NM_001127511.3, NM_001354897.2, NM_001354902.2 and 1 more transcripts); c.302G>A, p.Gly101Glu (NM_001354898.2, NM_001354904.2, NM_001407451.1); c.200G>A, p.Gly67Glu (NM_001354900.2, NM_001354901.2, NM_001354905.2 and 1 more transcripts); c.-659G>A (NM_001354906.2, NM_001407470.1, NM_001407471.1 and 1 more transcripts); short protein forms G101E, G136E, G67E, G126E.
Identifiers: ClinVar variation 2452695 (VCV002452695.6), dbSNP rs747992044, ClinGen allele CA16022143.

ClinVar aggregate classification (germline): Uncertain significance. Review status: criteria provided, multiple submitters, no conflicts (2 of 4 stars). 3 submissions from 3 submitters: Uncertain significance (3). Last evaluated 2024-08-19.

Conditions:
Familial adenomatous polyposis 1 (FAP1). Also called: POLYPOSIS, ADENOMATOUS INTESTINAL; FAMILIAL ADENOMATOUS POLYPOSIS 1, ATTENUATED. Identifiers: MedGen C2713442, MONDO:0021056, OMIM 175100. Disease mechanism: loss of function.
Hereditary cancer-predisposing syndrome. Also called: Neoplastic Syndromes, Hereditary; Tumor predisposition; Hereditary neoplastic syndrome; Hereditary Cancer Syndrome. Identifiers: Orphanet 140162, MedGen C0027672, MeSH D009386, MONDO:0015356.
Classic or attenuated familial adenomatous polyposis. Identifiers: MedGen CN372698, MONDO:0021057.

Submissions (3):

All of Us Research Program, National Institutes of Health
Classification: Uncertain significance for Classic or attenuated familial adenomatous polyposis. Last evaluated: 2024-08-19. Review status: criteria provided, single submitter. Criteria: ACMG Guidelines, 2015. Collection method: clinical testing. Allele origin: germline. Inheritance: Autosomal dominant inheritance. Observed: 1 variant allele, 1 heterozygote.
Comment: This study involves interpretation of variants in research participants for the purpose of population health screening. Participant phenotype was not available at the time of variant classification. Additional details can be found in publication PMID: 35346344, PMCID: PMC8962531

Labcorp Genetics (formerly Invitae), Labcorp
Classification: Uncertain significance for Familial adenomatous polyposis 1. Last evaluated: 2023-05-13. Review status: criteria provided, single submitter. Criteria: Invitae Variant Classification Sherloc (09022015). Collection method: clinical testing. Allele origin: germline.
Comment: In summary, the available evidence is currently insufficient to determine the role of this variant in disease. Therefore, it has been classified as a Variant of Uncertain Significance. Advanced modeling of protein sequence and biophysical properties (such as structural, functional, and spatial information, amino acid conservation, physicochemical variation, residue mobility, and thermodynamic stability) performed at Invitae indicates that this missense variant is not expected to disrupt APC protein function. ClinVar contains an entry for this variant (Variation ID: 2452695). This variant has not been reported in the literature in individuals affected with APC-related conditions. This variant is not present in population databases (gnomAD no frequency). This sequence change replaces glycine, which is neutral and non-polar, with glutamic acid, which is acidic and polar, at codon 126 of the APC protein (p.Gly126Glu).

Ambry Genetics
Classification: Uncertain significance for Hereditary cancer-predisposing syndrome. Last evaluated: 2022-12-21. Review status: criteria provided, single submitter. Criteria: Ambry Variant Classification Scheme 2023. Collection method: clinical testing. Allele origin: germline.
Comment: The p.G126E variant (also known as c.377G>A), located in coding exon 3 of the APC gene, results from a G to A substitution at nucleotide position 377. The glycine at codon 126 is replaced by glutamic acid, an amino acid with similar properties. This amino acid position is highly conserved in available vertebrate species. In addition, in silico predictors for this gene do not accurately predict pathogenicity. Since supporting evidence is limited at this time, the clinical significance of this alteration remains unclear.